The following is an entry in ClinVar:

ClinVar aggregate classification (germline): Uncertain significance. Review status: criteria provided, multiple submitters, no conflicts (2 of 4 stars). 2 submissions from 2 submitters: Uncertain significance (2). Last evaluated 2022-06-13.

Allele frequency attached by ClinVar (database versions not stated): gnomAD exomes below 0.00001 and 0.00002; TOPMed 0.00002.
gnomAD v4.1: 32 of 1,613,148 alleles (0.002%); highest among the groups gnomAD compares: Non-Finnish European, 0.0027%; no homozygotes.

Submissions (2):

Blueprint Genetics
Classification: Uncertain significance. Last evaluated: 2022-06-13. Review status: criteria provided, single submitter. Criteria: ACMG Guidelines, 2015. Collection method: clinical testing. Allele origin: germline.

Labcorp Genetics (formerly Invitae), Labcorp
Classification: Uncertain significance. Last evaluated: 2022-04-08. Review status: criteria provided, single submitter. Criteria: Invitae Variant Classification Sherloc (09022015). Collection method: clinical testing. Allele origin: germline.
Comment: This sequence change replaces methionine, which is neutral and non-polar, with isoleucine, which is neutral and non-polar, at codon 281 of the CWC27 protein (p.Met281Ile). This variant is present in population databases (rs201403830, gnomAD 0.0009%). This variant has not been reported in the literature in individuals affected with CWC27-related conditions. ClinVar contains an entry for this variant (Variation ID: 1011487). Algorithms developed to predict the effect of missense changes on protein structure and function (SIFT, PolyPhen-2, Align-GVGD) all suggest that this variant is likely to be tolerated. In summary, the available evidence is currently insufficient to determine the role of this variant in disease. Therefore, it has been classified as a Variant of Uncertain Significance.

NM_005869.4(CWC27):c.843G>T (p.Met281Ile)

Gene: CWC27 (CWC27 spliceosome associated cyclophilin; plus strand). Cytogenetic location: 5q12.3.
Variant type: single nucleotide variant.
Coding change: c.843G>T on transcript NM_005869.4 (MANE Select); coding-DNA position 843, G replaced by T.
Protein change: p.Met281Ile; replaces methionine 281 with isoleucine.
Molecular consequence: missense variant.
Genome position (GRCh38, 1-based): chr5:64,804,291, G>T. VCF-style: chr5-64804291-G-T. GRCh37 (hg19) VCF-style: chr5-64100118-G-T.
Other names: c.843G>T, p.Met281Ile (NM_001297644.1, NM_001297645.2, NM_001318000.2 and 1 more transcripts); short protein forms M281I.
Identifiers: ClinVar variation 1011487 (VCV001011487.6), dbSNP rs201403830, ClinGen allele CA119784376.